The following is an entry in ClinVar:

NM_005456.4(MAPK8IP1):c.267C>T (p.Ala89=)

Gene: MAPK8IP1 (mitogen-activated protein kinase 8 interacting protein 1; plus strand). Cytogenetic location: 11p11.2.
Variant type: single nucleotide variant.
Coding change: c.267C>T on transcript NM_005456.4 (MANE Select); coding-DNA position 267, C replaced by T.
Protein change: p.Ala89=; no amino-acid change (alanine 89 retained).
Molecular consequence: synonymous variant.
Genome position (GRCh38, 1-based): chr11:45,900,197, C>T. VCF-style: chr11-45900197-C-T. GRCh37 (hg19) VCF-style: chr11-45921748-C-T.
Identifiers: ClinVar variation 3030822 (VCV003030822.3), dbSNP rs948692371, ClinGen allele CA474037320.

ClinVar aggregate classification (germline): Likely benign. Review status: criteria provided, single submitter (1 of 4 stars). 2 submissions from 2 submitters: Likely benign (1). 1 of the submissions does not count toward it. Last evaluated 2021-11-15.

Conditions:
MAPK8IP1-related disorder. Also called: MAPK8IP1-related condition.

gnomAD v4.1: 13 of 1,320,394 alleles (0.00098%); highest among the groups gnomAD compares: African/African-American, 0.0016%; no homozygotes.

Submissions (2):

Blueprint Genetics
Classification: Likely benign. Last evaluated: 2021-11-15. Review status: criteria provided, single submitter. Criteria: ACMG Guidelines, 2015. Collection method: clinical testing. Allele origin: germline.

PreventionGenetics, part of Exact Sciences
Classification: Likely benign for MAPK8IP1-related condition. Last evaluated: 2021-04-19. Review status: no assertion criteria provided. Collection method: clinical testing. Allele origin: germline. Not counted in ClinVar's aggregate classification.
Comment: This variant is classified as likely benign based on ACMG/AMP sequence variant interpretation guidelines (Richards et al. 2015 PMID: 25741868, with internal and published modifications).